The following is an entry in ClinVar:

NM_000038.6(APC):c.3060_3062delinsTAATTGG (p.Glu1020fs)

Gene: APC (APC regulator of Wnt signaling pathway; plus strand). Cytogenetic location: 5q22.2.
Variant type: Indel.
Coding change: c.3060_3062delinsTAATTGG on transcript NM_000038.6 (MANE Select); coding-DNA positions 3060 to 3062, ACT replaced by TAATTGG.
Protein change: p.Glu1020fs; shifts the reading frame from glutamic acid 1020.
Molecular consequence: frameshift variant.
Genome position (GRCh38, 1-based): chr5:112,838,654-112,838,656, ACT replaced by TAATTGG. VCF-style: chr5-112838654-ACT-TAATTGG. GRCh37 (hg19) VCF-style: chr5-112174351-ACT-TAATTGG.
Other names: c.3060_3062delinsTAATTGG, p.Glu1020fs (NM_001127510.3, NM_001354895.2); c.3006_3008delinsTAATTGG, p.Glu1002fs (NM_001127511.3); c.3114_3116delinsTAATTGG, p.Glu1038fs (NM_001354896.2); c.3090_3092delinsTAATTGG, p.Glu1030fs (NM_001354897.2); c.2985_2987delinsTAATTGG, p.Glu995fs (NM_001354898.2); c.2976_2978delinsTAATTGG, p.Glu992fs (NM_001354899.2); c.2937_2939delinsTAATTGG, p.Glu979fs (NM_001354900.2); c.2883_2885delinsTAATTGG, p.Glu961fs (NM_001354901.2); and 5 more; short protein forms E737fs, E1002fs, E929fs, E992fs, E1038fs, E894fs, E995fs, E1020fs.
Identifiers: ClinVar variation 822749 (VCV000822749.4), dbSNP rs1580630481, ClinGen allele CA915943478.
Genomic context (GRCh38, chr5:112,838,654, plus strand): 5'-CCCAGCCGACCTAGCCCATAAAATACATAGTGCAAATCATATGGATGATAATGATGGAGA[ACT>TAATTGG]AGATACACCAATAAATTATAGTCTTAAATATTCAGATGAGCAGTTGAACTCTGGAAGGCA-3'

ClinVar aggregate classification (germline): Pathogenic (1 of 4 stars; one submission).

Conditions:
Hereditary cancer-predisposing syndrome. Also called: Tumor predisposition; Hereditary Cancer Syndrome; Neoplastic Syndromes, Hereditary; Hereditary neoplastic syndrome. Identifiers: Orphanet 140162, MedGen C0027672, MeSH D009386, MONDO:0015356.

Submission:

Ambry Genetics
Classification: Pathogenic for Hereditary cancer-predisposing syndrome. Last evaluated: 2019-06-24. Review status: criteria provided, single submitter. Criteria: Ambry Variant Classification Scheme 2023. Collection method: clinical testing. Allele origin: germline.
Comment: The c.3060_3062delACTinsTAATTGG pathogenic mutation, located in coding exon 15 of the APC gene, results from the deletion of 3 nucleotides and insertion of 7 nucleotides causing a translational frameshift with a predicted alternate stop codon (p.E1020Dfs*10). This alteration is expected to result in loss of function by premature protein truncation. As such, this alteration is interpreted as a disease-causing mutation.